The following is an entry in ClinVar:

ClinVar aggregate classification (germline): Benign/Likely benign. Review status: criteria provided, multiple submitters, no conflicts (2 of 4 stars). 5 submissions from 5 submitters: Benign (1); Likely benign (4). Last evaluated 2026-01-24.

Conditions:
Anemia, congenital dyserythropoietic, type 1a (CDAN1A). Also called: DYSERYTHROPOIETIC ANEMIA, CONGENITAL, TYPE Ia; CDAN1-Related Congenital Dyserythropoietic Anemia. Identifiers: MedGen C5574667, MONDO:0009135, OMIM 224120.
Congenital dyserythropoietic anemia, type I. Also called: Dyserythropoietic anemia, congenital type 1. Identifiers: Orphanet 98869, MedGen C0271933, MONDO:0020337. Disease mechanism: loss of function.

Allele frequency attached by ClinVar (database versions not stated): gnomAD exomes 0.00028 and 0.00062; gnomAD 0.00311 and 0.00276; TOPMed 0.00337; ExAC 0.00071; 1000 Genomes Project 0.00180; 1000 Genomes Project 30x 0.00219; ESP Exome Variant Server 0.00308.
gnomAD v4.1: 829 of 1,610,426 alleles (0.051%); highest among the groups gnomAD compares: African/African-American, 1%; 4 homozygotes.

Submissions (5):

Labcorp Genetics (formerly Invitae), Labcorp
Classification: Benign. Last evaluated: 2026-01-24. Review status: criteria provided, single submitter. Criteria: Invitae Variant Classification Sherloc (09022015). Collection method: clinical testing. Allele origin: germline.

Mayo Clinic Laboratories, Mayo Clinic
Classification: Likely benign. Last evaluated: 2025-04-17. Review status: criteria provided, single submitter. Criteria: ACMG Guidelines, 2015. Collection method: clinical testing. Allele origin: germline. Observed: 9 variant alleles.

ARUP Laboratories, Molecular Genetics and Genomics, ARUP Laboratories
Classification: Likely benign for Anemia, congenital dyserythropoietic, type 1a. Last evaluated: 2025-02-27. Review status: criteria provided, single submitter. Criteria: ARUP Molecular Germline Variant Investigation Process 2024. Collection method: clinical testing. Allele origin: germline.

Blueprint Genetics
Classification: Likely benign. Last evaluated: 2024-11-25. Review status: criteria provided, single submitter. Criteria: ACMG Guidelines, 2015. Collection method: clinical testing. Allele origin: germline.

Illumina Laboratory Services, Illumina
Classification: Likely benign for Anemia, congenital dyserythropoietic, type 1a. Last evaluated: 2018-01-12. Review status: criteria provided, single submitter. Criteria: ICSL Variant Classification Criteria 13 December 2019. Collection method: clinical testing. Allele origin: germline.
Comment: This variant was observed in the ICSL laboratory as part of a predisposition screen in an ostensibly healthy population. It had not been previously curated by ICSL or reported in the Human Gene Mutation Database (HGMD: prior to June 1st, 2018), and was therefore a candidate for classification through an automated scoring system. Utilizing variant allele frequency, disease prevalence and penetrance estimates, and inheritance mode, an automated score was calculated to assess if this variant is too frequent to cause the disease. Based on the score and internal cut-off values, a variant classified as likely benign is not then subjected to further curation. The score for this variant resulted in a classification of likely benign for this disease.

NM_138477.4(CDAN1):c.2263-5G>A

Gene: CDAN1 (codanin 1; minus strand). Cytogenetic location: 15q15.2.
Variant type: single nucleotide variant.
Coding change: c.2263-5G>A on transcript NM_138477.4 (MANE Select); 5 bases into the intron before coding-DNA position 2263, G replaced by A.
Molecular consequence: intron variant.
Genome position (GRCh38, 1-based): chr15:42,729,890, C>T on the plus strand (G>A on the coding strand, the complement: CDAN1 is on the minus strand). VCF-style: chr15-42729890-C-T. GRCh37 (hg19) VCF-style: chr15-43022088-C-T.
Other names: p.?.
Identifiers: ClinVar variation 709476 (VCV000709476.28), dbSNP rs190802841, ClinGen allele CA7515733.